The following is an entry in ClinVar:

NM_005585.5(SMAD6):c.972dup (p.Ala325fs)

Gene: SMAD6 (SMAD family member 6; plus strand). Cytogenetic location: 15q22.31.
Variant type: Duplication.
Coding change: c.972dup on transcript NM_005585.5 (MANE Select); coding-DNA position 972, one base duplicated (C; older notation c.972dupC).
Protein change: p.Ala325fs; shifts the reading frame from alanine 325.
Molecular consequence: frameshift variant. On other transcripts: non-coding transcript variant (1).
Genome position (GRCh38, 1-based): chr15:66,781,016, C duplicated. VCF-style (leftmost placement, unchanged base first): chr15-66781015-A-AC. GRCh37 (hg19) VCF-style: chr15-67073353-A-AC.
Other names: short protein forms A325fs.
Identifiers: ClinVar variation 4714659 (VCV004714659.1).

ClinVar aggregate classification (germline): Uncertain significance (1 of 4 stars; one submission).

Conditions:
Aortic valve disease 2 (AOVD2). Identifiers: MedGen C3542024, MONDO:0013902, OMIM 614823.

Submission:

Labcorp Genetics (formerly Invitae), Labcorp
Classification: Uncertain significance for Aortic valve disease 2. Last evaluated: 2025-03-13. Review status: criteria provided, single submitter. Criteria: Invitae Variant Classification Sherloc (09022015). Collection method: clinical testing. Allele origin: germline.
Comment: This sequence change results in a frameshift in the SMAD6 gene (p.Ala325Argfs*240). While this is not anticipated to result in nonsense mediated decay, it is expected to disrupt the last 172 amino acid(s) of the SMAD6 protein and extend the protein by 67 additional amino acid residues. This variant is not present in population databases (gnomAD no frequency). This variant has not been reported in the literature in individuals affected with SMAD6-related conditions. Experimental studies and prediction algorithms are not available or were not evaluated, and the functional significance of this variant is currently unknown. In summary, the available evidence is currently insufficient to determine the role of this variant in disease. Therefore, it has been classified as a Variant of Uncertain Significance.